The following is an entry in ClinVar:

NM_031921.6(ATAD3B):c.821T>A (p.Phe274Tyr)

Gene: ATAD3B (ATPase family AAA domain containing 3B; plus strand). Cytogenetic location: 1p36.33.
Variant type: single nucleotide variant.
Coding change: c.821T>A on transcript NM_031921.6 (MANE Select); coding-DNA position 821, T replaced by A.
Protein change: p.Phe274Tyr; replaces phenylalanine 274 with tyrosine.
Molecular consequence: missense variant.
Genome position (GRCh38, 1-based): chr1:1,485,086, T>A. VCF-style: chr1-1485086-T-A. GRCh37 (hg19) VCF-style: chr1-1420466-T-A.
Other names: c.683T>A, p.Phe228Tyr (NM_001317238.2); short protein forms F228Y, F274Y.
Identifiers: ClinVar variation 1206350 (VCV001206350.27), dbSNP rs200026807, ClinGen allele CA524638.
Genomic context (GRCh38, chr1:1,485,086, plus strand): 5'-TGACGCTGCTGGCTGTCGGGGTCTACTCAGCCAAGAATGCGACAGCCGTCACTGGCCGCT[T>A]CATCGAGGCTCGGCTGGGGAAGCCGTCCCTAGTGAGGGAGACGTCCCGCATCACGGTGCT-3'
Protein context (NP_114127.3, residues 264-284): AKNATAVTGR[Phe274Tyr]IEARLGKPSL

ClinVar aggregate classification (germline): Benign/Likely benign. Review status: criteria provided, multiple submitters, no conflicts (2 of 4 stars). 4 submissions from 4 submitters: Benign (1); Likely benign (1). 2 of the submissions do not count toward it. Last evaluated 2023-10-01.

Allele frequency attached by ClinVar (database versions not stated): 1000 Genomes Project 30x 0.01733.

Submissions (4):

CeGaT Center for Human Genetics Tuebingen
Classification: Benign. Last evaluated: 2023-10-01. Review status: criteria provided, single submitter. Criteria: CeGaT Center For Human Genetics Tuebingen Variant Classification Criteria Version 2. Collection method: clinical testing. Allele origin: germline. Affected: yes. Observed: 1 variant allele.
Comment: ATAD3B: BS1, BS2

Breakthrough Genomics
Classification: Likely benign. Review status: criteria provided, single submitter. Criteria: ACMG Guidelines, 2015. Collection method: not provided. Allele origin: germline. Inheritance: Unknown mechanism. Affected: yes.

Clinical Genetics DNA and cytogenetics Diagnostics Lab, Erasmus MC, Erasmus Medical Center
Classification: Likely benign. Review status: no assertion criteria provided. Collection method: clinical testing. Allele origin: germline. Affected: yes. Study: VKGL Data-share Consensus. Not counted in ClinVar's aggregate classification.

Laboratory of Diagnostic Genome Analysis, Leiden University Medical Center (LUMC)
Classification: Likely benign. Review status: no assertion criteria provided. Collection method: clinical testing. Allele origin: germline. Affected: yes. Study: VKGL Data-share Consensus. Not counted in ClinVar's aggregate classification.